The following is an entry in ClinVar:

NM_001009944.3(PKD1):c.12766G>A (p.Ala4256Thr)

Gene: PKD1 (polycystin 1, transient receptor potential channel interacting; minus strand). Cytogenetic location: 16p13.3.
Variant type: single nucleotide variant.
Coding change: c.12766G>A on transcript NM_001009944.3 (MANE Select); coding-DNA position 12766, G replaced by A.
Protein change: p.Ala4256Thr; replaces alanine 4256 with threonine.
Molecular consequence: missense variant.
Genome position (GRCh38, 1-based): chr16:2,089,873, C>T on the plus strand (G>A on the coding strand, the complement: PKD1 is on the minus strand). VCF-style: chr16-2089873-C-T. GRCh37 (hg19) VCF-style: chr16-2139874-C-T.
Other names: c.12763G>A (NM_000296.3); c.12763G>A, p.Ala4255Thr (NM_000296.4); short protein forms A4255T, A4256T.
Identifiers: ClinVar variation 1702950 (VCV001702950.5), dbSNP rs376769777, ClinGen allele CA7828478.

ClinVar aggregate classification (germline): Uncertain significance. Review status: criteria provided, multiple submitters, no conflicts (2 of 4 stars). 2 submissions from 2 submitters: Uncertain significance (2). Last evaluated 2025-09-24.

Conditions:
Inborn genetic diseases. Identifiers: MedGen C0950123, MeSH D030342.
Polycystic kidney disease, adult type (PKD1). Also called: Polycystic Kidney Disease 1, Autosomal Dominant; Polycystic kidney disease 1; Polycystic kidney disease 1, severe; Polycystic Kidney, Autosomal Dominant; POLYCYSTIC KIDNEY DISEASE 1 WITH OR WITHOUT POLYCYSTIC LIVER DISEASE; POLYCYSTIC KIDNEY DISEASE, ADULT, TYPE I. Identifiers: MedGen C3149841, MONDO:0008263, OMIM 173900.

Allele frequency attached by ClinVar (database versions not stated): gnomAD exomes 0.00001 and 0.00003; gnomAD 0.00007 and 0.00008; TOPMed 0.00007; ESP Exome Variant Server 0.00008; ExAC 0.00009; 1000 Genomes Project 0.00020; 1000 Genomes Project 30x 0.00031.
gnomAD v4.1: 27 of 1,609,326 alleles (0.0017%); highest among the groups gnomAD compares: African/African-American, 0.02%; no homozygotes.

Submissions (2):

Ambry Genetics
Classification: Uncertain significance for Inborn genetic diseases. Last evaluated: 2025-09-24. Review status: criteria provided, single submitter. Criteria: Ambry Variant Classification Scheme 2023. Collection method: clinical testing. Allele origin: germline.

Department of Human Genetics, Hannover Medical School
Classification: Uncertain significance for Polycystic kidney disease, adult type. Last evaluated: 2022-08-25. Review status: criteria provided, single submitter. Criteria: ACMG Guidelines, 2015. Collection method: clinical testing. Allele origin: germline. Affected: yes.
Comment: The variant c.12766G>A in the PKD1 gene has not yet been described in the ClinVar, LOVD and ADPKD mutation databases or in the literature. In the population database gnomAD, an allele frequency of 0.004% is reported for this variant (gnomAD, ALL). This missense change affects an evolutionarily weakly conserved amino acid. The physicochemical difference between the original (alanine) and the newly evolved amino acid (threonine) is small. In silico analysis of the variant revealed no evidence of a change in splicing pattern.